The following is an entry in ClinVar:

ClinVar aggregate classification (germline): Uncertain significance (1 of 4 stars; one submission).

gnomAD v4.1: 8 of 1,613,428 alleles (0.0005%); highest among the groups gnomAD compares: Non-Finnish European, 0.00068%; no homozygotes.

Submission:

Labcorp Genetics (formerly Invitae), Labcorp
Classification: Uncertain significance. Last evaluated: 2024-07-24. Review status: criteria provided, single submitter. Criteria: Invitae Variant Classification Sherloc (09022015). Collection method: clinical testing. Allele origin: germline.
Comment: This sequence change replaces glutamine, which is neutral and polar, with glutamic acid, which is acidic and polar, at codon 64 of the ROM1 protein (p.Gln64Glu). This variant is present in population databases (rs767143462, gnomAD 0.002%). This variant has not been reported in the literature in individuals affected with ROM1-related conditions. Advanced modeling of protein sequence and biophysical properties (such as structural, functional, and spatial information, amino acid conservation, physicochemical variation, residue mobility, and thermodynamic stability) performed at Invitae indicates that this missense variant is not expected to disrupt ROM1 protein function with a negative predictive value of 80%. In summary, the available evidence is currently insufficient to determine the role of this variant in disease. Therefore, it has been classified as a Variant of Uncertain Significance.

NM_000327.4(ROM1):c.190C>G (p.Gln64Glu)

Gene: ROM1 (retinal outer segment membrane protein 1; plus strand). Cytogenetic location: 11q12.3.
Variant type: single nucleotide variant.
Coding change: c.190C>G on transcript NM_000327.4 (MANE Select); coding-DNA position 190, C replaced by G.
Protein change: p.Gln64Glu; replaces glutamine 64 with glutamic acid.
Molecular consequence: missense variant.
Genome position (GRCh38, 1-based): chr11:62,613,471, C>G. VCF-style: chr11-62613471-C-G. GRCh37 (hg19) VCF-style: chr11-62380943-C-G.
Other names: short protein forms Q64E.
Identifiers: ClinVar variation 3607840 (VCV003607840.2).